The following is an entry in ClinVar:

ClinVar aggregate classification (germline): Uncertain significance (1 of 4 stars; one submission).

Conditions:
Hereditary breast ovarian cancer syndrome. Also called: Hereditary breast and ovarian cancer syndrome; Hereditary breast and ovarian cancer syndrome (HBOC); BRCA1- and BRCA2-Associated Hereditary Breast and Ovarian Cancer; Hereditary breast and ovarian cancer; Breast and ovarian cancer; Hereditary breast and/or ovarian cancer syndrome. Identifiers: Orphanet 145, MedGen C0677776, MeSH D061325, MONDO:0003582. Disease mechanism: loss of function.

Submission:

Labcorp Genetics (formerly Invitae), Labcorp
Classification: Uncertain significance for Hereditary breast ovarian cancer syndrome. Last evaluated: 2023-10-29. Review status: criteria provided, single submitter. Criteria: Invitae Variant Classification Sherloc (09022015). Collection method: clinical testing. Allele origin: germline.
Comment: This sequence change replaces leucine, which is neutral and non-polar, with proline, which is neutral and non-polar, at codon 625 of the BRCA1 protein (p.Leu625Pro). This variant is not present in population databases (gnomAD no frequency). This variant has not been reported in the literature in individuals affected with BRCA1-related conditions. Advanced modeling of protein sequence and biophysical properties (such as structural, functional, and spatial information, amino acid conservation, physicochemical variation, residue mobility, and thermodynamic stability) has been performed at Invitae for this missense variant, however the output from this modeling did not meet the statistical confidence thresholds required to predict the impact of this variant on BRCA1 protein function. In summary, the available evidence is currently insufficient to determine the role of this variant in disease. Therefore, it has been classified as a Variant of Uncertain Significance.

NM_007294.4(BRCA1):c.1874T>C (p.Leu625Pro)

Gene: BRCA1 (BRCA1 DNA repair associated; minus strand). Cytogenetic location: 17q21.31.
Variant type: single nucleotide variant.
Coding change: c.1874T>C on transcript NM_007294.4 (MANE Select); coding-DNA position 1874, T replaced by C.
Protein change: p.Leu625Pro; replaces leucine 625 with proline.
Molecular consequence: missense variant. On other transcripts: intron variant (137).
Genome position (GRCh38, 1-based): chr17:43,093,657, A>G on the plus strand (T>C on the coding strand, the complement: BRCA1 is on the minus strand). VCF-style: chr17-43093657-A-G. GRCh37 (hg19) VCF-style: chr17-41245674-A-G.
Other names: c.1748T>C, p.Leu583Pro (NM_001407689.1, NM_001407690.1, NM_001407691.1 and 11 more transcripts); c.1733T>C, p.Leu578Pro (NM_001407694.1, NM_001407695.1, NM_001407696.1 and 29 more transcripts); c.1730T>C, p.Leu577Pro (NM_001407740.1, NM_001407741.1, NM_001407742.1 and 20 more transcripts); c.1661T>C, p.Leu554Pro (NM_001407853.1, NM_001407894.1, NM_001407895.1 and 9 more transcripts); c.1874T>C, p.Leu625Pro (NM_001407854.1, NM_001407858.1, NM_001407859.1 and 30 more transcripts); c.1871T>C, p.Leu624Pro (NM_001407860.1, NM_001407861.1, NM_001407587.1 and 22 more transcripts); c.1673T>C, p.Leu558Pro (NM_001407862.1); c.1751T>C, p.Leu584Pro (NM_001407863.1, NM_001407919.1, NM_001407937.1 and 19 more transcripts); and 40 more; short protein forms L514P, L536P, L555P, L558P, L583P, L598P, L625P, L497P.
Identifiers: ClinVar variation 2772607 (VCV002772607.3), dbSNP rs2154415367, ClinGen allele CA10598271.